The following is an entry in ClinVar:

ClinVar aggregate classification (germline): Likely benign. Review status: criteria provided, single submitter (1 of 4 stars). 2 submissions from 2 submitters: Likely benign (1). 1 of the submissions does not count toward it. Last evaluated 2025-09-14.

Conditions:
Autoimmune lymphoproliferative syndrome type 1. Also called: AUTOIMMUNE LYMPHOPROLIFERATIVE SYNDROME, TYPE I, AUTOSOMAL DOMINANT. Identifiers: Orphanet 3261, MedGen C2717884, MONDO:0011158, OMIM 601859.
FASLG-related disorder. Also called: FASLG-related condition.

Allele frequency attached by ClinVar (database versions not stated): gnomAD exomes 0.00001; TOPMed below 0.00001; gnomAD 0.00001.
gnomAD v4.1: 8 of 1,613,940 alleles (0.0005%); highest among the groups gnomAD compares: East Asian, 0.0022%; no homozygotes.

Submissions (2):

Labcorp Genetics (formerly Invitae), Labcorp
Classification: Likely benign for Autoimmune lymphoproliferative syndrome. Last evaluated: 2025-09-14. Review status: criteria provided, single submitter. Criteria: Invitae Variant Classification Sherloc (09022015). Collection method: clinical testing. Allele origin: germline.

PreventionGenetics, part of Exact Sciences
Classification: Likely benign for FASLG-related condition. Last evaluated: 2019-05-23. Review status: no assertion criteria provided. Collection method: clinical testing. Allele origin: germline. Not counted in ClinVar's aggregate classification.
Comment: This variant is classified as likely benign based on ACMG/AMP sequence variant interpretation guidelines (Richards et al. 2015 PMID: 25741868, with internal and published modifications).

NM_000639.3(FASLG):c.579C>T (p.Ser193=)

Gene: FASLG (Fas ligand; plus strand). Cytogenetic location: 1q24.3.
Variant type: single nucleotide variant.
Coding change: c.579C>T on transcript NM_000639.3 (MANE Select); coding-DNA position 579, C replaced by T.
Protein change: p.Ser193=; no amino-acid change (serine 193 retained).
Molecular consequence: synonymous variant. On other transcripts: 3 prime UTR variant (1).
Genome position (GRCh38, 1-based): chr1:172,665,749, C>T. VCF-style: chr1-172665749-C-T. GRCh37 (hg19) VCF-style: chr1-172634889-C-T.
Other names: c.*149C>T (NM_001302746.2); c.579C>T (NM_000639.2).
Identifiers: ClinVar variation 1096132 (VCV001096132.9), dbSNP rs374974805, ClinGen allele CA32979646.